The following is an entry in ClinVar:

ClinVar aggregate classification (germline): Uncertain significance (1 of 4 stars; one submission).

Conditions:
PLXNA2-related disorder. Also called: PLXNA2-related condition.

Submission:

PreventionGenetics, part of Exact Sciences
Classification: Uncertain significance for PLXNA2-related condition. Last evaluated: 2026-07-29. Review status: criteria provided, single submitter. Criteria: ACMG Guidelines, 2015. Collection method: clinical testing. Allele origin: germline.
Comment: The PLXNA2 c.4031G>T variant is predicted to result in the amino acid substitution p.Gly1344Val. To our knowledge, this variant has not been reported in the literature or in a large population database (gnomAD), indicating this variant is rare. At this time, the clinical significance of this variant is uncertain due to the absence of conclusive functional and genetic evidence.

NM_025179.4(PLXNA2):c.4031G>T (p.Gly1344Val)

Gene: PLXNA2 (plexin A2; minus strand). Cytogenetic location: 1q32.2.
Variant type: single nucleotide variant.
Coding change: c.4031G>T on transcript NM_025179.4 (MANE Select); coding-DNA position 4031, G replaced by T.
Protein change: p.Gly1344Val; replaces glycine 1344 with valine.
Molecular consequence: missense variant.
Genome position (GRCh38, 1-based): chr1:208,042,353, C>A on the plus strand (G>T on the coding strand, the complement: PLXNA2 is on the minus strand). VCF-style: chr1-208042353-C-A. GRCh37 (hg19) VCF-style: chr1-208215698-C-A.
Other names: short protein forms G1344V.
Identifiers: ClinVar variation 4996633 (VCV004996633.1).